The following is an entry in ClinVar:

NM_001257096.2(PAX1):c.997G>A (p.Ala333Thr)

Gene: PAX1 (paired box 1; plus strand). Cytogenetic location: 20p11.22.
Variant type: single nucleotide variant.
Coding change: c.997G>A on transcript NM_001257096.2 (MANE Select); coding-DNA position 997, G replaced by A.
Protein change: p.Ala333Thr; replaces alanine 333 with threonine.
Molecular consequence: missense variant.
Genome position (GRCh38, 1-based): chr20:21,708,638, G>A. VCF-style: chr20-21708638-G-A. GRCh37 (hg19) VCF-style: chr20-21689276-G-A.
Other names: c.997G>A (NM_006192.4, NM_006192.3); c.997G>A, p.Ala333Thr (NM_006192.5); short protein forms A333T.
Identifiers: ClinVar variation 2179178 (VCV002179178.4), dbSNP rs1415574372, ClinGen allele CA408499149.

ClinVar aggregate classification (germline): Uncertain significance. Review status: criteria provided, multiple submitters, no conflicts (2 of 4 stars). 2 submissions from 2 submitters: Uncertain significance (2). Last evaluated 2025-06-18.

Conditions:
Inborn genetic diseases. Identifiers: MedGen C0950123, MeSH D030342.
Otofaciocervical syndrome 2 (OTFCS2). Also called: OTOFACIOCERVICAL SYNDROME 2, WITH T-CELL DEFICIENCY. Identifiers: MedGen C5442121, MONDO:0014254, OMIM 615560.

gnomAD v4.1: 3 of 1,613,604 alleles (0.00019%); highest among the groups gnomAD compares: Admixed American, 0.005%; no homozygotes.

Submissions (2):

Ambry Genetics
Classification: Uncertain significance for Inborn genetic diseases. Last evaluated: 2025-06-18. Review status: criteria provided, single submitter. Criteria: Ambry Variant Classification Scheme 2023. Collection method: clinical testing. Allele origin: germline.

Labcorp Genetics (formerly Invitae), Labcorp
Classification: Uncertain significance. Last evaluated: 2022-09-16. Review status: criteria provided, single submitter. Criteria: Invitae Variant Classification Sherloc (09022015). Collection method: clinical testing. Allele origin: germline.
Comment: In summary, the available evidence is currently insufficient to determine the role of this variant in disease. Therefore, it has been classified as a Variant of Uncertain Significance. Advanced modeling of protein sequence and biophysical properties (such as structural, functional, and spatial information, amino acid conservation, physicochemical variation, residue mobility, and thermodynamic stability) performed at Invitae indicates that this missense variant is not expected to disrupt PAX1 protein function. This variant has not been reported in the literature in individuals affected with PAX1-related conditions. This variant is present in population databases (no rsID available, gnomAD 0.003%). This sequence change replaces alanine, which is neutral and non-polar, with threonine, which is neutral and polar, at codon 333 of the PAX1 protein (p.Ala333Thr).